The following is an entry in ClinVar:

ClinVar aggregate classification (germline): Uncertain significance (1 of 4 stars; one submission).

Conditions:
Cardiovascular phenotype. Identifiers: MedGen CN230736.

Submission:

Ambry Genetics
Classification: Uncertain significance for Cardiovascular phenotype. Last evaluated: 2026-09-14. Review status: criteria provided, single submitter. Criteria: Ambry Variant Classification Scheme 2023. Collection method: clinical testing. Allele origin: germline.
Comment: The p.L1193M variant (also known as c.3577C>A), located in coding exon 21 of the FLNC gene, results from a C to A substitution at nucleotide position 3577. The leucine at codon 1193 is replaced by methionine, an amino acid with highly similar properties. This amino acid position is conserved. In addition, this alteration is predicted to be tolerated by in silico analysis. Based on the available evidence, the clinical significance of this variant remains unclear.

NM_001458.5(FLNC):c.3577C>A (p.Leu1193Met)

Gene: FLNC (filamin C; plus strand). Cytogenetic location: 7q32.1.
Variant type: single nucleotide variant.
Coding change: c.3577C>A on transcript NM_001458.5 (MANE Select); coding-DNA position 3577, C replaced by A.
Protein change: p.Leu1193Met; replaces leucine 1193 with methionine.
Molecular consequence: missense variant.
Genome position (GRCh38, 1-based): chr7:128,845,042, C>A. VCF-style: chr7-128845042-C-A. GRCh37 (hg19) VCF-style: chr7-128485096-C-A.
Other names: c.3577C>A, p.Leu1193Met (NM_001127487.2); short protein forms L1193M.
Identifiers: ClinVar variation 5021976 (VCV005021976.1).
Genomic context (GRCh38, chr7:128,845,042, plus strand): 5'-GCAGCCACCTTCACTGTGGACTGCTCAGAGGCAGGCGAGGCGGAGCTGACCATTGAGATC[C>A]TGTCGGATGCCGGGGTCAAGGCCGAGGTGCTGATCCACAACAACGCGGATGGCACCTACC-3'
Protein context (NP_001449.3, residues 1183-1203): AGEAELTIEI[Leu1193Met]SDAGVKAEVL